The following is an entry in ClinVar:

ClinVar aggregate classification (germline): Uncertain significance (1 of 4 stars; one submission).

Conditions:
Lipoic acid synthetase deficiency. Also called: HYPERGLYCINEMIA, LACTIC ACIDOSIS, AND SEIZURES. Identifiers: Orphanet 401859, MedGen C3280887, MONDO:0013762, OMIM 614462.

Allele frequency attached by ClinVar (database versions not stated): TOPMed below 0.00001; ExAC 0.00002; gnomAD exomes 0.00002.
gnomAD v4.1: 22 of 1,609,876 alleles (0.0014%); highest among the groups gnomAD compares: South Asian, 0.0055%; 1 homozygote.

Submission:

Labcorp Genetics (formerly Invitae), Labcorp
Classification: Uncertain significance for Lipoic acid synthetase deficiency. Last evaluated: 2021-08-31. Review status: criteria provided, single submitter. Criteria: Invitae Variant Classification Sherloc (09022015). Collection method: clinical testing. Allele origin: germline.
Comment: This sequence change replaces arginine with histidine at codon 297 of the LIAS protein (p.Arg297His). The arginine residue is highly conserved and there is a small physicochemical difference between arginine and histidine. This variant is present in population databases (rs756021613, ExAC 0.004%). This variant has not been reported in the literature in individuals affected with LIAS-related conditions. Algorithms developed to predict the effect of missense changes on protein structure and function (SIFT, PolyPhen-2, Align-GVGD) all suggest that this variant is likely to be disruptive. In summary, the available evidence is currently insufficient to determine the role of this variant in disease. Therefore, it has been classified as a Variant of Uncertain Significance.

NM_006859.4(LIAS):c.890G>A (p.Arg297His)

Gene: LIAS (lipoic acid synthetase; plus strand). Cytogenetic location: 4p14.
Variant type: single nucleotide variant.
Coding change: c.890G>A on transcript NM_006859.4 (MANE Select); coding-DNA position 890, G replaced by A.
Protein change: p.Arg297His; replaces arginine 297 with histidine.
Molecular consequence: missense variant.
Genome position (GRCh38, 1-based): chr4:39,471,242, G>A. VCF-style: chr4-39471242-G-A. GRCh37 (hg19) VCF-style: chr4-39472862-G-A.
Other names: c.761G>A, p.Arg254His (NM_001278590.2); c.581G>A, p.Arg194His (NM_001363700.2); c.890G>A, p.Arg297His (NM_194451.3); short protein forms R297H, R254H, R194H.
Identifiers: ClinVar variation 581222 (VCV000581222.6), dbSNP rs756021613, ClinGen allele CA2894802.